The following is an entry in ClinVar:

ClinVar aggregate classification (germline): Uncertain significance. Review status: criteria provided, single submitter (1 of 4 stars). 2 submissions from 2 submitters: Uncertain significance (1). 1 of the submissions does not count toward it. Last evaluated 2024-02-17.

Conditions:
KMT2D-related disorder. Also called: KMT2D-Related Disorders.
Kabuki syndrome. Also called: Kabuki make-up syndrome; NIIKAWA-KUROKI SYNDROME. Identifiers: Orphanet 2322, MedGen C0796004, MONDO:0016512.

Allele frequency attached by ClinVar (database versions not stated): gnomAD exomes below 0.00001.
gnomAD v4.1: 2 of 1,612,666 alleles (0.00012%); highest among the groups gnomAD compares: Non-Finnish European, 0.000085%; no homozygotes.

Submissions (2):

Labcorp Genetics (formerly Invitae), Labcorp
Classification: Uncertain significance for Kabuki syndrome. Last evaluated: 2024-02-17. Review status: criteria provided, single submitter. Criteria: Invitae Variant Classification Sherloc (09022015). Collection method: clinical testing. Allele origin: germline.
Comment: This sequence change replaces proline, which is neutral and non-polar, with leucine, which is neutral and non-polar, at codon 629 of the KMT2D protein (p.Pro629Leu). This variant is not present in population databases (gnomAD no frequency). This variant has not been reported in the literature in individuals affected with KMT2D-related conditions. Advanced modeling of protein sequence and biophysical properties (such as structural, functional, and spatial information, amino acid conservation, physicochemical variation, residue mobility, and thermodynamic stability) performed at Invitae indicates that this missense variant is not expected to disrupt KMT2D protein function with a negative predictive value of 95%. In summary, the available evidence is currently insufficient to determine the role of this variant in disease. Therefore, it has been classified as a Variant of Uncertain Significance.

PreventionGenetics, part of Exact Sciences
Classification: Uncertain significance for KMT2D-related condition. Last evaluated: 2024-02-08. Review status: no assertion criteria provided. Collection method: clinical testing. Allele origin: germline. Not counted in ClinVar's aggregate classification.
Comment: The KMT2D c.1886C>T variant is predicted to result in the amino acid substitution p.Pro629Leu. To our knowledge, this variant has not been reported in the literature or in a large population database, indicating this variant is rare. At this time, the clinical significance of this variant is uncertain due to the absence of conclusive functional and genetic evidence.

NM_003482.4(KMT2D):c.1886C>T (p.Pro629Leu)

Gene: KMT2D (lysine methyltransferase 2D; minus strand). Cytogenetic location: 12q13.12.
Variant type: single nucleotide variant.
Coding change: c.1886C>T on transcript NM_003482.4 (MANE Select); coding-DNA position 1886, C replaced by T.
Protein change: p.Pro629Leu; replaces proline 629 with leucine.
Molecular consequence: missense variant.
Genome position (GRCh38, 1-based): chr12:49,051,797, G>A on the plus strand (C>T on the coding strand, the complement: KMT2D is on the minus strand). VCF-style: chr12-49051797-G-A. GRCh37 (hg19) VCF-style: chr12-49445580-G-A.
Other names: short protein forms P629L.
Identifiers: ClinVar variation 3029540 (VCV003029540.4), dbSNP rs1938058645, ClinGen allele CA384669894.